The following is an entry in ClinVar:

ClinVar aggregate classification (germline): Uncertain significance (1 of 4 stars; one submission).

Conditions:
Muscular dystrophy-dystroglycanopathy type B6 (MDDGB6). Also called: MUSCULAR DYSTROPHY-DYSTROGLYCANOPATHY (CONGENITAL WITH IMPAIRED INTELLECTUAL DEVELOPMENT), TYPE B, 6; MUSCULAR DYSTROPHY, CONGENITAL, LARGE-RELATED; MUSCULAR DYSTROPHY, CONGENITAL, TYPE 1D. Identifiers: MedGen C1837229, MONDO:0012138, OMIM 608840.

Submission:

Labcorp Genetics (formerly Invitae), Labcorp
Classification: Uncertain significance for Muscular dystrophy-dystroglycanopathy type B6. Last evaluated: 2022-06-22. Review status: criteria provided, single submitter. Criteria: Invitae Variant Classification Sherloc (09022015). Collection method: clinical testing. Allele origin: germline.
Comment: This sequence change replaces leucine, which is neutral and non-polar, with valine, which is neutral and non-polar, at codon 622 of the LARGE1 protein (p.Leu622Val). This variant is not present in population databases (gnomAD no frequency). This variant has not been reported in the literature in individuals affected with LARGE1-related conditions. Algorithms developed to predict the effect of missense changes on protein structure and function are either unavailable or do not agree on the potential impact of this missense change (SIFT: "Tolerated"; PolyPhen-2: "Probably Damaging"; Align-GVGD: "Class C0"). In summary, the available evidence is currently insufficient to determine the role of this variant in disease. Therefore, it has been classified as a Variant of Uncertain Significance.

NM_133642.5(LARGE1):c.1864C>G (p.Leu622Val)

Gene: LARGE1 (LARGE xylosyl- and glucuronyltransferase 1; minus strand). Cytogenetic location: 22q12.3.
Variant type: single nucleotide variant.
Coding change: c.1864C>G on transcript NM_133642.5 (MANE Select); coding-DNA position 1864, C replaced by G.
Protein change: p.Leu622Val; replaces leucine 622 with valine.
Molecular consequence: missense variant. On other transcripts: intron variant (3).
Genome position (GRCh38, 1-based): chr22:33,283,215, G>C on the plus strand (C>G on the coding strand, the complement: LARGE1 is on the minus strand). VCF-style: chr22-33283215-G-C. GRCh37 (hg19) VCF-style: chr22-33679201-G-C.
Other names: c.1864C>G, p.Leu622Val (NM_001362949.2, NM_001362951.2, NM_001362953.2 and 4 more transcripts); c.1708C>G, p.Leu570Val (NM_001378629.1); c.1261C>G, p.Leu421Val (NM_001378630.1); c.1731-5960C>G (NM_001378627.1, NM_001378628.1); c.972-5960C>G (NM_001378631.1); short protein forms L570V, L421V, L622V.
Identifiers: ClinVar variation 2185759 (VCV002185759.1), dbSNP rs1930805697, ClinGen allele CA411543255.